The following is an entry in ClinVar:

ClinVar aggregate classification (germline): Pathogenic (1 of 4 stars; one submission).

Conditions:
Ellis-van Creveld syndrome (EVC). Also called: EVC-Related Ellis-van Creveld Syndrome; EVC2-Related Ellis-van Creveld Syndrome; MESOECTODERMAL DYSPLASIA; Chondroectodermal dysplasia. Identifiers: Orphanet 289, MedGen C0013903, MONDO:0009162, OMIM 225500.
Curry-Hall syndrome (WAD). Also called: WEYERS ACRODENTAL DYSOSTOSIS. Identifiers: Orphanet 952, MedGen C0457013, MONDO:0008673, OMIM 193530.

Submission:

Labcorp Genetics (formerly Invitae), Labcorp
Classification: Pathogenic for Curry-Hall syndrome; Ellis-van Creveld syndrome. Last evaluated: 2024-09-09. Review status: criteria provided, single submitter. Criteria: Invitae Variant Classification Sherloc (09022015). Collection method: clinical testing. Allele origin: germline.
Comment: This sequence change creates a premature translational stop signal (p.Gln878_Gln879delinsHis*) in the EVC gene. It is expected to result in an absent or disrupted protein product. Loss-of-function variants in EVC are known to be pathogenic (PMID: 23220543). Information on the frequency of this variant in the gnomAD database is not available, as this variant may be reported differently in the database. This variant has not been reported in the literature in individuals affected with EVC-related conditions. ClinVar contains an entry for this variant (Variation ID: 1457620). For these reasons, this variant has been classified as Pathogenic.

Literature cited by the submitters: PubMed 23220543.

NM_153717.3(EVC):c.2634_2635delinsTT (p.Gln878_Gln879delinsHisTer)

Gene: EVC (EvC ciliary complex subunit 1; plus strand). Cytogenetic location: 4p16.2.
Variant type: Indel.
Coding change: c.2634_2635delinsTT on transcript NM_153717.3 (MANE Select); coding-DNA positions 2634 to 2635, GC replaced by TT.
Protein change: p.Gln878_Gln879delinsHisTer.
Molecular consequence: nonsense.
Genome position (GRCh38, 1-based): chr4:5,808,273-5,808,274, GC replaced by TT. VCF-style: chr4-5808273-GC-TT. GRCh37 (hg19) VCF-style: chr4-5810000-GC-TT.
Other names: c.2634_2635delinsTT, p.Gln878_Gln879delinsHisTer (NM_001306090.2).
Identifiers: ClinVar variation 1457620 (VCV001457620.7), dbSNP rs2152387847, ClinGen allele CA2573138272.